The following is an entry in ClinVar:

NM_015915.5(ATL1):c.1119G>A (p.Glu373=)

Gene: ATL1 (atlastin GTPase 1; plus strand). Cytogenetic location: 14q22.1.
Variant type: single nucleotide variant.
Coding change: c.1119G>A on transcript NM_015915.5 (MANE Select); coding-DNA position 1119, G replaced by A.
Protein change: p.Glu373=; no amino-acid change (glutamic acid 373 retained).
Molecular consequence: synonymous variant.
Genome position (GRCh38, 1-based): chr14:50,623,248, G>A. VCF-style: chr14-50623248-G-A. GRCh37 (hg19) VCF-style: chr14-51089966-G-A.
Other names: c.1119G>A, p.Glu373= (NM_001127713.1, NM_181598.4).
Identifiers: ClinVar variation 951549 (VCV000951549.9), dbSNP rs2039485066, ClinGen allele CA486191695.

ClinVar aggregate classification (germline): Likely pathogenic (1 of 4 stars; one submission).

Conditions:
Hereditary spastic paraplegia 3A (SPG3A). Also called: STRUMPELL DISEASE; SPASTIC PARAPLEGIA 3, AUTOSOMAL DOMINANT; FAMILIAL SPASTIC PARAPLEGIA, AUTOSOMAL DOMINANT, 1; SPG3; Spastic Paraplegia 3A; Spastic paraplegia 3A, autosomal dominant. Identifiers: Orphanet 100984, MedGen C2931355, MONDO:0008437, OMIM 182600.

Submission:

Labcorp Genetics (formerly Invitae), Labcorp
Classification: Likely pathogenic for Hereditary spastic paraplegia 3A. Last evaluated: 2019-10-31. Review status: criteria provided, single submitter. Criteria: Invitae Variant Classification Sherloc (09022015). Collection method: clinical testing. Allele origin: germline.
Comment: In summary, the currently available evidence indicates that the variant is pathogenic, but additional data are needed to prove that conclusively. Therefore, this variant has been classified as Likely Pathogenic. Nucleotide substitutions within the consensus splice site are a relatively common cause of aberrant splicing (PMID: 17576681, 9536098). Algorithms developed to predict the effect of sequence changes on RNA splicing suggest that this variant may disrupt the consensus splice site, but this prediction has not been confirmed by published transcriptional studies. This variant has been observed to segregate with autosomal recessive spastic paraplegia in a family (Invitae). This variant is not present in population databases (ExAC no frequency). This sequence change affects codon 373 of the ATL1 mRNA. It is a 'silent' change, meaning that it does not change the encoded amino acid sequence of the ATL1 protein. This variant also falls at the last nucleotide of exon 11 of the ATL1 coding sequence, which is part of the consensus splice site for this exon.

Literature cited by the submitters: PubMed 17576681; PubMed 9536098.